The following is an entry in ClinVar:

NM_018671.5(UNC45A):c.2642G>A (p.Arg881Gln)

Genes: RCCD1-AS1 (RCCD1 and UNC45A antisense RNA 1; minus strand), UNC45A (unc-45 myosin chaperone A; plus strand). Cytogenetic location: 15q26.1.
Variant type: single nucleotide variant.
Coding change: c.2642G>A on transcript NM_018671.5 (MANE Select); coding-DNA position 2642, G replaced by A.
Protein change: p.Arg881Gln; replaces arginine 881 with glutamine.
Molecular consequence: missense variant.
Genome position (GRCh38, 1-based): chr15:90,953,523, G>A. VCF-style: chr15-90953523-G-A. GRCh37 (hg19) VCF-style: chr15-91496753-G-A.
Other names: c.2597G>A, p.Arg866Gln (NM_001039675.2, NM_001323621.2); c.2642G>A, p.Arg881Gln (NM_001323619.1); c.2207G>A, p.Arg736Gln (NM_001323620.2); short protein forms R866Q, R881Q, R736Q.
Identifiers: ClinVar variation 1406890 (VCV001406890.4), dbSNP rs749077342, ClinGen allele CA7743365.

ClinVar aggregate classification (germline): Uncertain significance (1 of 4 stars; one submission).

Allele frequency attached by ClinVar (database versions not stated): gnomAD 0.00002 and 0.00004; TOPMed 0.00003; gnomAD exomes 0.00005 and 0.00007; ExAC 0.00008.
gnomAD v4.1: 76 of 1,614,004 alleles (0.0047%); highest among the groups gnomAD compares: South Asian, 0.048%; 1 homozygote.

Submission:

Labcorp Genetics (formerly Invitae), Labcorp
Classification: Uncertain significance. Last evaluated: 2024-07-03. Review status: criteria provided, single submitter. Criteria: Invitae Variant Classification Sherloc (09022015). Collection method: clinical testing. Allele origin: germline.
Comment: This sequence change replaces arginine, which is basic and polar, with glutamine, which is neutral and polar, at codon 881 of the UNC45A protein (p.Arg881Gln). This variant is present in population databases (rs749077342, gnomAD 0.04%). This variant has not been reported in the literature in individuals affected with UNC45A-related conditions. ClinVar contains an entry for this variant (Variation ID: 1406890). Advanced modeling of protein sequence and biophysical properties (such as structural, functional, and spatial information, amino acid conservation, physicochemical variation, residue mobility, and thermodynamic stability) performed at Invitae indicates that this missense variant is expected to disrupt UNC45A protein function with a positive predictive value of 80%. In summary, the available evidence is currently insufficient to determine the role of this variant in disease. Therefore, it has been classified as a Variant of Uncertain Significance.